The following is an entry in ClinVar:

NM_000038.6(APC):c.1556T>G (p.Leu519Arg)

Gene: APC (APC regulator of Wnt signaling pathway; plus strand). Cytogenetic location: 5q22.2.
Variant type: single nucleotide variant.
Coding change: c.1556T>G on transcript NM_000038.6 (MANE Select); coding-DNA position 1556, T replaced by G.
Protein change: p.Leu519Arg; replaces leucine 519 with arginine.
Molecular consequence: missense variant.
Genome position (GRCh38, 1-based): chr5:112,827,936, T>G. VCF-style: chr5-112827936-T-G. GRCh37 (hg19) VCF-style: chr5-112163633-T-G.
Other names: c.1556T>G, p.Leu519Arg (NM_001407450.1, NM_001127510.3, NM_001354895.2); c.1535T>G, p.Leu512Arg (NM_001407451.1); c.1526T>G, p.Leu509Arg (NM_001407452.1); c.1379T>G, p.Leu460Arg (NM_001407453.1, NM_001354901.2); c.1307T>G, p.Leu436Arg (NM_001407454.1, NM_001407455.1, NM_001407456.1 and 1 more transcripts); c.707T>G, p.Leu236Arg (NM_001407470.1, NM_001354906.2); c.1253T>G, p.Leu418Arg (NM_001407458.1, NM_001407459.1, NM_001407460.1 and 1 more transcripts); c.404T>G, p.Leu135Arg (NM_001407471.1, NM_001407472.1); and 11 more; short protein forms L359R, L393R, L418R, L428R, L460R, L491R, L529R, L390R.
Identifiers: ClinVar variation 4843511 (VCV004843511.1).
Genomic context (GRCh38, chr5:112,827,936, plus strand): 5'-CTTGGCTTCAAGTTGTCTTTTTAATGATCCTCTATTCTGTATTTAATTTACAGGCTACGC[T>G]ATGCTCTATGAAAGGCTGCATGAGAGCACTTGTGGCCCAACTAAAATCTGAAAGTGAAGA-3'
Protein context (NP_000029.2, residues 509-529): TFGDVANKAT[Leu519Arg]CSMKGCMRAL

ClinVar aggregate classification (germline): Uncertain significance (1 of 4 stars; one submission).

Conditions:
Hereditary cancer-predisposing syndrome. Also called: Neoplastic Syndromes, Hereditary; Tumor predisposition; Hereditary Cancer Syndrome; Hereditary neoplastic syndrome. Identifiers: Orphanet 140162, MedGen C0027672, MeSH D009386, MONDO:0015356.

Submission:

Ambry Genetics
Classification: Uncertain significance for Hereditary cancer-predisposing syndrome. Last evaluated: 2025-12-16. Review status: criteria provided, single submitter. Criteria: Ambry Variant Classification Scheme 2023. Collection method: clinical testing. Allele origin: germline.
Comment: The p.L519R variant (also known as c.1556T>G), located in coding exon 12 of the APC gene, results from a T to G substitution at nucleotide position 1556. The leucine at codon 519 is replaced by arginine, an amino acid with dissimilar properties. This amino acid position is conserved. In addition, in silico predictors for this gene do not accurately predict pathogenicity. Based on the available evidence, the clinical significance of this variant remains unclear.